The following is an entry in ClinVar:

ClinVar aggregate classification (germline): Uncertain significance (1 of 4 stars; one submission).

Submission:

Ambry Genetics
Classification: Uncertain significance. Last evaluated: 2025-05-17. Review status: criteria provided, single submitter. Criteria: Ambry Variant Classification Scheme 2023. Collection method: clinical testing. Allele origin: germline.
Comment: The p.L1362F variant (also known as c.4086G>T), located in coding exon 14 of the CDK12 gene, results from a G to T substitution at nucleotide position 4086. The leucine at codon 1362 is replaced by phenylalanine, an amino acid with highly similar properties. This amino acid position is conserved. In addition, this alteration is predicted to be tolerated by in silico analysis. Based on the available evidence, the clinical significance of this variant remains unclear.

NM_016507.4(CDK12):c.4086G>T (p.Leu1362Phe)

Gene: CDK12 (cyclin dependent kinase 12; plus strand). Cytogenetic location: 17q12.
Variant type: single nucleotide variant.
Coding change: c.4086G>T on transcript NM_016507.4 (MANE Select); coding-DNA position 4086, G replaced by T.
Protein change: p.Leu1362Phe; replaces leucine 1362 with phenylalanine.
Molecular consequence: missense variant.
Genome position (GRCh38, 1-based): chr17:39,530,929, G>T. VCF-style: chr17-39530929-G-T. GRCh37 (hg19) VCF-style: chr17-37687182-G-T.
Other names: c.4059G>T, p.Leu1353Phe (NM_015083.4); short protein forms L1353F, L1362F.
Identifiers: ClinVar variation 3999460 (VCV003999460.1).